The following is an entry in ClinVar:

ClinVar aggregate classification (germline): Uncertain significance (1 of 4 stars; one submission).

Conditions:
Hereditary cancer-predisposing syndrome. Also called: Neoplastic Syndromes, Hereditary; Tumor predisposition; Hereditary Cancer Syndrome; Hereditary neoplastic syndrome. Identifiers: Orphanet 140162, MedGen C0027672, MeSH D009386, MONDO:0015356.

Submission:

Ambry Genetics
Classification: Uncertain significance for Hereditary cancer-predisposing syndrome. Last evaluated: 2021-10-16. Review status: criteria provided, single submitter. Criteria: Ambry Variant Classification Scheme 2023. Collection method: clinical testing. Allele origin: germline.
Comment: The p.S73T variant (also known as c.217T>A), located in coding exon 1 of the CHEK2 gene, results from a T to A substitution at nucleotide position 217. The serine at codon 73 is replaced by threonine, an amino acid with similar properties. This amino acid position is conserved. In addition, the in silico prediction for this alteration is inconclusive. Since supporting evidence is limited at this time, the clinical significance of this alteration remains unclear.

NM_007194.4(CHEK2):c.217T>A (p.Ser73Thr)

Gene: CHEK2 (checkpoint kinase 2; minus strand). Cytogenetic location: 22q12.1.
Variant type: single nucleotide variant.
Coding change: c.217T>A on transcript NM_007194.4 (MANE Select); coding-DNA position 217, T replaced by A.
Protein change: p.Ser73Thr; replaces serine 73 with threonine.
Molecular consequence: missense variant.
Genome position (GRCh38, 1-based): chr22:28,734,505, A>T on the plus strand (T>A on the coding strand, the complement: CHEK2 is on the minus strand). VCF-style: chr22-28734505-A-T. GRCh37 (hg19) VCF-style: chr22-29130493-A-T.
Other names: c.217T>A, p.Ser73Thr (NM_001005735.3, NM_001349956.3, NM_145862.3); c.-561T>A (NM_001257387.3); short protein forms S73T.
Identifiers: ClinVar variation 1787255 (VCV001787255.2), dbSNP rs2054319079, ClinGen allele CA411090737.
Genomic context (GRCh38, chr22:28,734,505, plus strand): 5'-AGGGGGCAGGGGTAGGCTCCTCAGGTTCTTGGTCCTCAGGTTCTTGGTCCTCAGGAATAG[A>T]ATAGAGTTCCTGAGTGGACACTGTCTCTAAGGAGCTCAGTGTCCCAGAGCTGGAGTGAGA-3'
Protein context (NP_009125.1, residues 63-83): LETVSTQELY[Ser73Thr]IPEDQEPEDQ